The following is an entry in ClinVar:

ClinVar aggregate classification (germline): Uncertain significance. Review status: criteria provided, multiple submitters, no conflicts (2 of 4 stars). 2 submissions from 2 submitters: Uncertain significance (2). Last evaluated 2024-06-18.

Allele frequency attached by ClinVar (database versions not stated): ESP Exome Variant Server 0.00008.
gnomAD v4.1: 3 of 1,594,930 alleles (0.00019%); highest among the groups gnomAD compares: Non-Finnish European, 0.00026%; no homozygotes.

Submissions (2):

ARUP Laboratories, Molecular Genetics and Genomics, ARUP Laboratories
Classification: Uncertain significance. Last evaluated: 2024-06-18. Review status: criteria provided, single submitter. Criteria: ARUP Molecular Germline Variant Investigation Process 2024. Collection method: clinical testing. Allele origin: germline.

GeneDx
Classification: Uncertain significance. Last evaluated: 2022-01-11. Review status: criteria provided, single submitter. Criteria: GeneDx Variant Classification Process June 2021. Collection method: clinical testing. Allele origin: germline. Affected: yes.
Comment: Not observed at significant frequency in large population cohorts (gnomAD); In silico analysis supports that this missense variant does not alter protein structure/function; Has not been previously published as pathogenic or benign to our knowledge

NM_207346.3(TSEN54):c.302C>G (p.Thr101Ser)

Gene: TSEN54 (tRNA splicing endonuclease subunit 54; plus strand). Cytogenetic location: 17q25.1.
Variant type: single nucleotide variant.
Coding change: c.302C>G on transcript NM_207346.3 (MANE Select); coding-DNA position 302, C replaced by G.
Protein change: p.Thr101Ser; replaces threonine 101 with serine.
Molecular consequence: missense variant.
Genome position (GRCh38, 1-based): chr17:75,517,177, C>G. VCF-style: chr17-75517177-C-G. GRCh37 (hg19) VCF-style: chr17-73513258-C-G.
Other names: short protein forms T101S.
Identifiers: ClinVar variation 1695785 (VCV001695785.3), dbSNP rs373908614, ClinGen allele CA294076036.
Genomic context (GRCh38, chr17:75,517,177, plus strand): 5'-CCTGCCCTCCCTCCCTTGTGACACTTGCTCTGGGCCCCACACAGGGCAAATTCTGGCAGA[C>G]CATGGGCTTCTCAGAGCAGGGCCGGCAGCGCCTTCACCCGGAAGAGGCCTTGTATCTTCT-3'
Protein context (NP_997229.2, residues 91-111): LKSPAGKFWQ[Thr101Ser]MGFSEQGRQR